The following is an entry in ClinVar:

ClinVar aggregate classification (germline): Benign/Likely benign. Review status: criteria provided, multiple submitters, no conflicts (2 of 4 stars). 8 submissions from 8 submitters: Benign (3); Likely benign (5). Last evaluated 2026-01-14.

Conditions:
TNNC1-related disorder. Also called: TNNC1-related condition.
Cardiovascular phenotype. Identifiers: MedGen CN230736.
Dilated cardiomyopathy 1Z (CMD1Z). Identifiers: Orphanet 154, MedGen C2678475, MONDO:0012745, OMIM 611879.
Hypertrophic cardiomyopathy 13. Also called: TNNC1-Related Familial Hypertrophic Cardiomyopathy. Identifiers: MedGen C2750472, MONDO:0013195, OMIM 613243.

Allele frequency attached by ClinVar (database versions not stated): gnomAD exomes 0.00001 and 0.00006; ExAC 0.00005; ESP Exome Variant Server 0.00015; gnomAD 0.00017 and 0.00019; TOPMed 0.00028.

Submissions (8):

Labcorp Genetics (formerly Invitae), Labcorp
Classification: Benign for Hypertrophic cardiomyopathy 13; Dilated cardiomyopathy 1Z. Last evaluated: 2026-01-14. Review status: criteria provided, single submitter. Criteria: Invitae Variant Classification Sherloc (09022015). Collection method: clinical testing. Allele origin: germline.

PreventionGenetics, part of Exact Sciences
Classification: Likely benign for TNNC1-related condition. Last evaluated: 2025-09-04. Review status: criteria provided, single submitter. Criteria: ACMG Guidelines, 2015. Collection method: clinical testing. Allele origin: germline.
Comment: This variant is classified as likely benign based on ACMG/AMP sequence variant interpretation guidelines (Richards et al. 2015 PMID: 25741868, with internal and published modifications).

Molecular Diagnostic Laboratory for Inherited Cardiovascular Disease, Montreal Heart Institute
Classification: Likely benign. Last evaluated: 2025-04-09. Review status: criteria provided, single submitter. Criteria: ACMG Guidelines, 2015. Collection method: clinical testing. Allele origin: germline. Affected: no.

Women's Health and Genetics/Laboratory Corporation of America, LabCorp
Classification: Benign. Last evaluated: 2024-11-26. Review status: criteria provided, single submitter. Criteria: LabCorp Variant Classification Summary - May 2015. Collection method: clinical testing. Allele origin: germline.

Blueprint Genetics
Classification: Likely benign. Last evaluated: 2021-09-28. Review status: criteria provided, single submitter. Criteria: ACMG Guidelines, 2015. Collection method: clinical testing. Allele origin: germline.

Ambry Genetics
Classification: Likely benign for Cardiovascular phenotype. Last evaluated: 2019-06-06. Review status: criteria provided, single submitter. Criteria: Ambry Variant Classification Scheme 2023. Collection method: clinical testing. Allele origin: germline.

GeneDx
Classification: Benign. Last evaluated: 2016-02-22. Review status: criteria provided, single submitter. Criteria: GeneDx Variant Classification (06012015). Collection method: clinical testing. Allele origin: germline. Affected: yes.
Comment: This variant is considered likely benign or benign based on one or more of the following criteria: it is a conservative change, it occurs at a poorly conserved position in the protein, it is predicted to be benign by multiple in silico algorithms, and/or has population frequency not consistent with disease.

Laboratory for Molecular Medicine, Mass General Brigham Personalized Medicine
Classification: Likely benign. Last evaluated: 2012-03-19. Review status: criteria provided, single submitter. Criteria: LMM Criteria. Collection method: clinical testing. Allele origin: germline. Observed: 1 variant allele.
Comment: Ala108Ala in exon 5 of TNNC1: This variant is not expected to have clinical sign ificance because it does not alter an amino acid residue and is not located with in the splice consensus sequence. It has been identified in 1/3738 African Ameri can chromosomes from a broad population by the NHLBI Exome Sequencing Project (dbSNP rs145066209). Ala108Ala in exon 5 of TNN C1 (rs145066209; allele frequency = 1/3738) **

NM_003280.3(TNNC1):c.324T>C (p.Ala108=)

Gene: TNNC1 (troponin C1, slow skeletal and cardiac type; minus strand). Cytogenetic location: 3p21.1.
Variant type: single nucleotide variant.
Coding change: c.324T>C on transcript NM_003280.3 (MANE Select); coding-DNA position 324, T replaced by C.
Protein change: p.Ala108=; no amino-acid change (alanine 108 retained).
Molecular consequence: synonymous variant.
Genome position (GRCh38, 1-based): chr3:52,451,521, A>G on the plus strand (T>C on the coding strand, the complement: TNNC1 is on the minus strand). VCF-style: chr3-52451521-A-G. GRCh37 (hg19) VCF-style: chr3-52485537-A-G.
Identifiers: ClinVar variation 44678 (VCV000044678.21), dbSNP rs145066209, ClinGen allele CA134846.